The following is an entry in ClinVar:

NM_032444.4(SLX4):c.1164C>G (p.Ser388Arg)

Gene: SLX4 (SLX4 structure-specific endonuclease subunit; minus strand). Cytogenetic location: 16p13.3.
Variant type: single nucleotide variant.
Coding change: c.1164C>G on transcript NM_032444.4 (MANE Select); coding-DNA position 1164, C replaced by G.
Protein change: p.Ser388Arg; replaces serine 388 with arginine.
Molecular consequence: missense variant.
Genome position (GRCh38, 1-based): chr16:3,597,999, G>C on the plus strand (C>G on the coding strand, the complement: SLX4 is on the minus strand). VCF-style: chr16-3597999-G-C. GRCh37 (hg19) VCF-style: chr16-3648000-G-C.
Other names: short protein forms S388R.
Identifiers: ClinVar variation 929601 (VCV000929601.1), dbSNP rs764619389, ClinGen allele CA394529996.

ClinVar aggregate classification (germline): Likely benign (0 of 4 stars; one submission).

Submission:

Leiden Open Variation Database
Classification: Likely benign. Last evaluated: 2012-08-31. Review status: no assertion criteria provided. Collection method: curation. Allele origin: germline. Affected: yes.
Comment: Curator: Arleen D. Auerbach. Submitter to LOVD: Janine Bakker.

Literature cited by the submitters: PubMed 22911665.